The following is an entry in ClinVar:

ClinVar aggregate classification (germline): Likely pathogenic. Review status: reviewed by expert panel (3 of 4 stars). 3 submissions from 3 submitters: Likely pathogenic (1). 2 of the submissions do not count toward it. Last evaluated 2023-03-13.

Conditions:
Mitochondrial disease. Also called: Mitochondrial disorder; Mitochondrial disorders. Identifiers: Orphanet 68380, MedGen C0751651, MeSH D028361, MONDO:0044970.
Mitochondrial non-syndromic sensorineural hearing loss. Also called: Nonsyndromic Hearing Loss and Deafness, Mitochondrial. Identifiers: Orphanet 90641, MedGen C3151897, MONDO:0010779, OMIM 500008.

Submissions (3):

ClinGen Mitochondrial Disease Nuclear and Mitochondrial  Variant Curation Expert Panel, ClinGen
Classification: Likely pathogenic for Mitochondrial disease. Last evaluated: 2023-03-13. Review status: reviewed by expert panel. Criteria: McCormick et al. (Hum Mutat. 2020). Collection method: curation. Allele origin: germline. Inheritance: Mitochondrial inheritance.
Comment: The m.7510T>C variant in MT-TS1 has been reported in at least nine individuals across six different families with primary mitochondrial disease (PS4_moderate; PMIDs: 29299381, 18028453, 23430555, 15292920, 10978361, 12471220). The most common feature in affected individuals was sensorineural hearing loss. Age of onset ranged from 2-70 years old, and heteroplasmy levels in affected individuals ranged from 90% to >99%. Of note, some unaffected family members had the variant present at homoplasmy, as well (PMID: 12471220). Additional clinical features were seen in at least two families. One family reported in the medical literature also had migraines, ataxia, short stature, epilepsy, cognitive impairment, tremor, and restless leg syndrome (PMID: 29299381). The second family was known to some members of this expert panel, and the expert panel agreed to include this case. This variant segregated with disease manifestations in two families with hearing loss as all affected individuals had the variant present at heteroplasmy levels ranging from 90% to >99% (PP1_moderate; PMIDs: 29299381, 10978361). There are no de novo occurrences of this variant to our knowledge. The computational predictor MitoTIP suggests this variant is pathogenic (68.6 percentile) and HmtVAR predicts it to be pathogenic score of 0.6 (PP3). There is one occurrence in the GenBank population database, and the variant is absent in the Helix dataset and gnomAD v.3.1.2. Although there is one occurrence, the frequency is still low (PM2_supporting). There are no cybrids, single fiber studies, or other functional assays reported on this variant. In summary, this variant meets criteria to be classified as likely pathogenic for primary mitochondrial disease inherited in a mitochondrial manner. This classification was approved by the NICHD/NINDS U24 ClinGen Mitochondrial Disease Variant Curation Expert Panel on March 13, 2023. Mitochondrial DNA-specific ACMG/AMP criteria applied (PMID: 32906214): PS4_moderate, PP1_moderate, PM2_supporting, PP3.

OMIM
Classification: Pathogenic for DEAFNESS, NONSYNDROMIC SENSORINEURAL, MITOCHONDRIAL. Last evaluated: 2000-09-01. Review status: no assertion criteria provided. Collection method: literature only. Allele origin: germline. Not counted in ClinVar's aggregate classification.

GeneReviews
No classification provided. Condition: Mitochondrial non-syndromic sensorineural hearing loss. Review status: no classification provided. Collection method: literature only. Allele origin: maternal. Not counted in ClinVar's aggregate classification.

Literature cited by the submitters: PubMed 10978361 (cited by OMIM and GeneReviews); PubMed 12471220 (cited by GeneReviews); PubMed 20301595 (cited by GeneReviews).

NC_012920.1(MT-TS1):m.7510T>C

Gene: MT-TS1 (mitochondrially encoded tRNA serine 1 (UCN); minus strand).
Variant type: single nucleotide variant.
Genome position: chrM-7510-T-C.
Other names: 7510T-C.
Identifiers: ClinVar variation 9565 (VCV000009565.5), dbSNP rs199474820, ClinGen allele CA340921.